The following is an entry in ClinVar:

NM_001036.6(RYR3):c.10906G>A (p.Ala3636Thr)

Gene: RYR3 (ryanodine receptor 3; plus strand). Cytogenetic location: 15q14.
Variant type: single nucleotide variant.
Coding change: c.10906G>A on transcript NM_001036.6 (MANE Select); coding-DNA position 10906, G replaced by A.
Protein change: p.Ala3636Thr; replaces alanine 3636 with threonine.
Molecular consequence: missense variant.
Genome position (GRCh38, 1-based): chr15:33,821,360, G>A. VCF-style: chr15-33821360-G-A. GRCh37 (hg19) VCF-style: chr15-34113561-G-A.
Other names: c.10891G>A, p.Ala3631Thr (NM_001243996.4); short protein forms A3636T, A3631T.
Identifiers: ClinVar variation 1041855 (VCV001041855.8), dbSNP rs758369363, ClinGen allele CA7461031.

ClinVar aggregate classification (germline): Uncertain significance (1 of 4 stars; one submission).

Conditions:
Epileptic encephalopathy. Identifiers: MedGen C0543888, HP:0200134.

Allele frequency attached by ClinVar (database versions not stated): TOPMed 0.00005; ExAC 0.00001; gnomAD exomes 0.00001; gnomAD 0.00002.
gnomAD v4.1: 17 of 1,600,668 alleles (0.0011%); highest among the groups gnomAD compares: African/African-American, 0.008%; no homozygotes.

Submission:

Labcorp Genetics (formerly Invitae), Labcorp
Classification: Uncertain significance for Epileptic encephalopathy. Last evaluated: 2024-02-17. Review status: criteria provided, single submitter. Criteria: Invitae Variant Classification Sherloc (09022015). Collection method: clinical testing. Allele origin: germline.
Comment: This sequence change replaces alanine, which is neutral and non-polar, with threonine, which is neutral and polar, at codon 3636 of the RYR3 protein (p.Ala3636Thr). The frequency data for this variant in the population databases is considered unreliable, as metrics indicate poor data quality at this position in the gnomAD database. This variant has not been reported in the literature in individuals affected with RYR3-related conditions. ClinVar contains an entry for this variant (Variation ID: 1041855). Advanced modeling of protein sequence and biophysical properties (such as structural, functional, and spatial information, amino acid conservation, physicochemical variation, residue mobility, and thermodynamic stability) has been performed at Invitae for this missense variant, however the output from this modeling did not meet the statistical confidence thresholds required to predict the impact of this variant on RYR3 protein function. In summary, the available evidence is currently insufficient to determine the role of this variant in disease. Therefore, it has been classified as a Variant of Uncertain Significance.